The following is an entry in ClinVar:

NM_000255.4(MMUT):c.1084-1_1084delinsTT

Gene: MMUT (methylmalonyl-CoA mutase; minus strand). Cytogenetic location: 6p12.3.
Variant type: Indel.
Coding change: c.1084-1_1084delinsTT on transcript NM_000255.4 (MANE Select); the canonical splice acceptor site of the intron before coding-DNA position 1084 through coding-DNA position 1084, GG replaced by TT.
Molecular consequence: splice acceptor variant.
Genome position (GRCh38, 1-based): chr6:49,451,714-49,451,715, CC replaced by AA on the plus strand (GG replaced by TT on the coding strand, the reverse complement: MMUT is on the minus strand). VCF-style: chr6-49451714-CC-AA. GRCh37 (hg19) VCF-style: chr6-49419427-CC-AA.
Identifiers: ClinVar variation 3773812 (VCV003773812.1).

ClinVar aggregate classification (germline): Likely pathogenic (1 of 4 stars; one submission).

Conditions:
Methylmalonic aciduria due to methylmalonyl-CoA mutase deficiency (MAMM). Also called: Methylmalonic aciduria, mut type. Identifiers: Orphanet 27, MedGen C1855114, MONDO:0009612, OMIM 251000.

Submission:

Servicio de Genética Del Instituto Nacional de Salud Del Niño, Ministerio de Salud
Classification: Likely pathogenic for Methylmalonic aciduria due to methylmalonyl-CoA mutase deficiency. Last evaluated: 2024-11-18. Review status: criteria provided, single submitter. Criteria: ACMG Guidelines, 2015. Collection method: clinical testing. Allele origin: germline. Inheritance: Autosomal recessive inheritance. Affected: yes.
Comment: These variants may impact enzyme function, potentially leading to altered methylmalonic acid metabolism. Based on ACMG/AMP guidelines, these variants should be evaluated for criteria such as PM3 (for compound heterozygosity), PP3 (in silico predictions), and any functional studies supporting pathogenicity. Further clinical correlation and segregation analysis are recommended to clarify their significance